The following is an entry in ClinVar:

NM_017672.6(TRPM7):c.1404C>G (p.Phe468Leu)

Gene: TRPM7 (transient receptor potential cation channel subfamily M member 7; minus strand). Cytogenetic location: 15q21.2.
Variant type: single nucleotide variant.
Coding change: c.1404C>G on transcript NM_017672.6 (MANE Select); coding-DNA position 1404, C replaced by G.
Protein change: p.Phe468Leu; replaces phenylalanine 468 with leucine.
Molecular consequence: missense variant. On other transcripts: non-coding transcript variant (3).
Genome position (GRCh38, 1-based): chr15:50,624,202, G>C on the plus strand (C>G on the coding strand, the complement: TRPM7 is on the minus strand). VCF-style: chr15-50624202-G-C. GRCh37 (hg19) VCF-style: chr15-50916399-G-C.
Other names: c.1404C>G, p.Phe468Leu (NM_001301212.2); short protein forms F468L.
Identifiers: ClinVar variation 3902861 (VCV003902861.1).

ClinVar aggregate classification (germline): Uncertain significance (1 of 4 stars; one submission).

Submission:

GeneDx
Classification: Uncertain significance. Last evaluated: 2024-12-15. Review status: criteria provided, single submitter. Criteria: GeneDx Variant Classification Process June 2021. Collection method: clinical testing. Allele origin: germline. Affected: yes.
Comment: Not observed at significant frequency in large population cohorts (gnomAD); In silico analysis supports that this missense variant has a deleterious effect on protein structure/function; Has not been previously published as pathogenic or benign to our knowledge